The following is an entry in ClinVar:

ClinVar aggregate classification (germline): Conflicting classifications of pathogenicity. Review status: criteria provided, conflicting classifications (1 of 4 stars). 4 submissions from 4 submitters: Uncertain significance (1); Likely benign (3). Last evaluated 2025-06-01.

Conditions:
Hereditary cancer-predisposing syndrome. Also called: Tumor predisposition; Hereditary Cancer Syndrome; Neoplastic Syndromes, Hereditary; Hereditary neoplastic syndrome. Identifiers: Orphanet 140162, MedGen C0027672, MeSH D009386, MONDO:0015356.
Familial cancer of breast. Also called: Hereditary breast cancer; hereditary breast carcinoma; BREAST CANCER, FAMILIAL. Identifiers: Orphanet 227535, MedGen C0346153, MONDO:0016419, OMIM 114480. Disease mechanism: loss of function.
Ataxia-telangiectasia syndrome (AT). Also called: Cerebello-oculocutaneous telangiectasia; Immunodeficiency with ataxia telangiectasia; Ataxia-telangiectasia, complementation group D; AT, COMPLEMENTATION GROUP C; Ataxia-telangiectasia, complementation group E; LOUIS-BAR SYNDROME. Identifiers: Orphanet 100, MedGen C0004135, MONDO:0008840, OMIM 208900.

Allele frequency attached by ClinVar (database versions not stated): gnomAD exomes below 0.00001 and 0.00001; TOPMed below 0.00001; ExAC 0.00001.

Submissions (4):

Labcorp Genetics (formerly Invitae), Labcorp
Classification: Likely benign for Ataxia-telangiectasia syndrome. Last evaluated: 2025-06-01. Review status: criteria provided, single submitter. Criteria: Invitae Variant Classification Sherloc (09022015). Collection method: clinical testing. Allele origin: germline.

Myriad Genetics, Inc.
Classification: Likely benign for Familial cancer of breast. Last evaluated: 2024-05-22. Review status: criteria provided, single submitter. Criteria: Myriad Autosomal Dominant, Autosomal Recessive and X-Linked Classification Criteria (2023). Collection method: clinical testing. Allele origin: unknown.
Comment: This variant is considered likely benign. This variant is intronic and is not expected to impact mRNA splicing.

Color Diagnostics, LLC DBA Color Health
Classification: Uncertain significance for Hereditary cancer-predisposing syndrome. Last evaluated: 2023-04-24. Review status: criteria provided, single submitter. Criteria: ACMG Guidelines, 2015. Collection method: clinical testing. Allele origin: germline.
Comment: This variant causes a G to A nucleotide substitution at the +3 position of intron 34 of the ATM gene. To our knowledge, functional studies have not been reported for this variant. This variant has not been reported in individuals affected with ATM-related disorders in the literature. This variant has been identified in 2/250890 chromosomes in the general population by the Genome Aggregation Database (gnomAD). The available evidence is insufficient to determine the role of this variant in disease conclusively. Therefore, this variant is classified as a Variant of Uncertain Significance.

Ambry Genetics
Classification: Likely benign for Hereditary cancer-predisposing syndrome. Last evaluated: 2022-03-31. Review status: criteria provided, single submitter. Criteria: Ambry Variant Classification Scheme 2023. Collection method: clinical testing. Allele origin: germline.

NM_000051.4(ATM):c.5177+3G>A

Gene: ATM (ATM serine/threonine kinase; plus strand). Cytogenetic location: 11q22.3.
Variant type: single nucleotide variant.
Coding change: c.5177+3G>A on transcript NM_000051.4 (MANE Select); 3 bases into the intron after coding-DNA position 5177, G replaced by A.
Molecular consequence: intron variant.
Genome position (GRCh38, 1-based): chr11:108,299,888, G>A. VCF-style: chr11-108299888-G-A. GRCh37 (hg19) VCF-style: chr11-108170615-G-A.
Other names: c.5177+3G>A (NM_001351834.2).
Identifiers: ClinVar variation 453564 (VCV000453564.15), dbSNP rs774216164, ClinGen allele CA6265638.